The following is an entry in ClinVar:

ClinVar aggregate classification (germline): Benign/Likely benign. Review status: criteria provided, multiple submitters, no conflicts (2 of 4 stars). 5 submissions from 5 submitters: Benign (2); Likely benign (1). 2 of the submissions do not count toward it. Last evaluated 2026-08-01.

Conditions:
Short-rib thoracic dysplasia 13 with or without polydactyly (SRTD13). Identifiers: Orphanet 474, MedGen C4225378, MONDO:0014577, OMIM 616300.

Allele frequency attached by ClinVar (database versions not stated): gnomAD 0.00066 and 0.00090; ESP Exome Variant Server 0.00077; TOPMed 0.00094; 1000 Genomes Project 30x 0.00156; 1000 Genomes Project 0.00180; ExAC 0.00231.
gnomAD v4.1: 2,215 of 1,613,656 alleles (0.14%); highest among the groups gnomAD compares: Middle Eastern, 0.99%; 17 homozygotes.

Submissions (5):

CeGaT Center for Human Genetics Tuebingen
Classification: Likely benign. Last evaluated: 2026-08-01. Review status: criteria provided, single submitter. Criteria: CeGaT Center For Human Genetics Tuebingen Variant Classification Criteria Version 2. Collection method: clinical testing. Allele origin: germline. Affected: yes. Observed: 14 variant alleles.
Comment: CEP120: BP4, BP7, BS2

Labcorp Genetics (formerly Invitae), Labcorp
Classification: Benign for Short-rib thoracic dysplasia 13 with or without polydactyly. Last evaluated: 2026-01-28. Review status: criteria provided, single submitter. Criteria: Invitae Variant Classification Sherloc (09022015). Collection method: clinical testing. Allele origin: germline.

GeneDx
Classification: Benign. Last evaluated: 2019-08-30. Review status: criteria provided, single submitter. Criteria: GeneDx Variant Classification Process June 2021. Collection method: clinical testing. Allele origin: germline. Affected: yes.

Clinical Genetics DNA and cytogenetics Diagnostics Lab, Erasmus MC, Erasmus Medical Center
Classification: Likely benign. Review status: no assertion criteria provided. Collection method: clinical testing. Allele origin: germline. Affected: yes. Study: VKGL Data-share Consensus. Not counted in ClinVar's aggregate classification.

Genome Diagnostics Laboratory, University Medical Center Utrecht
Classification: Likely benign. Review status: no assertion criteria provided. Collection method: clinical testing. Allele origin: germline. Affected: yes. Study: VKGL Data-share Consensus. Not counted in ClinVar's aggregate classification.

NM_001375405.1(CEP120):c.1671G>A (p.Leu557=)

Gene: CEP120 (centrosomal protein 120; minus strand). Cytogenetic location: 5q23.2.
Variant type: single nucleotide variant.
Coding change: c.1671G>A on transcript NM_001375405.1 (MANE Select); coding-DNA position 1671, G replaced by A.
Protein change: p.Leu557=; no amino-acid change (leucine 557 retained).
Molecular consequence: synonymous variant. On other transcripts: non-coding transcript variant (1).
Genome position (GRCh38, 1-based): chr5:123,385,043, C>T on the plus strand (G>A on the coding strand, the complement: CEP120 is on the minus strand). VCF-style: chr5-123385043-C-T. GRCh37 (hg19) VCF-style: chr5-122720737-C-T.
Other names: c.1593G>A, p.Leu531= (NM_001166226.2); c.1536G>A, p.Leu512= (NM_001375406.1); c.1671G>A, p.Leu557= (NM_001375407.1, NM_153223.4); c.1098G>A, p.Leu366= (NM_001375408.1, NM_001375409.1).
Identifiers: ClinVar variation 476162 (VCV000476162.36), dbSNP rs75289011, ClinGen allele CA3386901.
Genomic context (GRCh38, chr5:123,385,043, plus strand): 5'-GTAAGTTTGACGCCAACACTGTTCACCATTAGAACCTAAAAAACGAGTTTTTTCTGAAGA[C>T]AAGATGTTAGAAAGCTGGATTCTCGCAATTCCCAGAAGTAAATCTTTACTCATTTTATCC-3'
Protein context (NP_001362334.1, residues 547-567): GIARIQLSNI[Leu557=]SSEKTRFLGS